The following is an entry in ClinVar:

NM_006329.4(FBLN5):c.1289A>G (p.Asn430Ser)

Gene: FBLN5 (fibulin 5; minus strand). Cytogenetic location: 14q32.12.
Variant type: single nucleotide variant.
Coding change: c.1289A>G on transcript NM_006329.4 (MANE Select); coding-DNA position 1289, A replaced by G.
Protein change: p.Asn430Ser; replaces asparagine 430 with serine.
Molecular consequence: missense variant. On other transcripts: 3 prime UTR variant (2).
Genome position (GRCh38, 1-based): chr14:91,870,282, T>C on the plus strand (A>G on the coding strand, the complement: FBLN5 is on the minus strand). VCF-style: chr14-91870282-T-C. GRCh37 (hg19) VCF-style: chr14-92336626-T-C.
Other names: c.1412A>G, p.Asn471Ser (NM_001384158.1); c.1340A>G, p.Asn447Ser (NM_001384159.1); c.*73A>G (NM_001384160.1, NM_001384161.1); c.1121A>G, p.Asn374Ser (NM_001384162.1); short protein forms N430S, N447S, N471S, N374S.
Identifiers: ClinVar variation 3705089 (VCV003705089.1).
Genomic context (GRCh38, chr14:91,870,282, plus strand): 5'-GCTCAGAATGGGTACTGCGACACATATATCCGCAGTCGGATCACGGAGCTGCCTCTGAAG[T>C]TGATGACAGTGTTGACAGTGATCATTTCCAAGTCCAGCTGGATTTCCCGGGGCCCTTTGA-3'
Protein context (NP_006320.2, residues 420-440): LEMITVNTVI[Asn430Ser]FRGSSVIRLR

ClinVar aggregate classification (germline): Uncertain significance (1 of 4 stars; one submission).

gnomAD v4.1: 1 of 1,614,202 alleles (0.000062%); highest among the groups gnomAD compares: African/African-American, 0.0013%; no homozygotes.

Submission:

Labcorp Genetics (formerly Invitae), Labcorp
Classification: Uncertain significance. Last evaluated: 2025-01-21. Review status: criteria provided, single submitter. Criteria: Invitae Variant Classification Sherloc (09022015). Collection method: clinical testing. Allele origin: germline.
Comment: This sequence change replaces asparagine, which is neutral and polar, with serine, which is neutral and polar, at codon 430 of the FBLN5 protein (p.Asn430Ser). This variant is present in population databases (no rsID available, gnomAD 0.007%). This variant has not been reported in the literature in individuals affected with FBLN5-related conditions. Invitae Evidence Modeling of protein sequence and biophysical properties (such as structural, functional, and spatial information, amino acid conservation, physicochemical variation, residue mobility, and thermodynamic stability) indicates that this missense variant is not expected to disrupt FBLN5 protein function with a negative predictive value of 80%. In summary, the available evidence is currently insufficient to determine the role of this variant in disease. Therefore, it has been classified as a Variant of Uncertain Significance.